The following is an entry in ClinVar:

NM_004991.4(MECOM):c.3368C>G (p.Ala1123Gly)

Gene: MECOM (MDS1 and EVI1 complex locus; minus strand). Cytogenetic location: 3q26.2.
Variant type: single nucleotide variant.
Coding change: c.3368C>G on transcript NM_004991.4 (MANE Select); coding-DNA position 3368, C replaced by G.
Protein change: p.Ala1123Gly; replaces alanine 1123 with glycine.
Molecular consequence: missense variant.
Genome position (GRCh38, 1-based): chr3:169,090,033, G>C on the plus strand (C>G on the coding strand, the complement: MECOM is on the minus strand). VCF-style: chr3-169090033-G-C. GRCh37 (hg19) VCF-style: chr3-168807821-G-C.
Other names: c.2999C>G, p.Ala1000Gly (NM_001105077.4); c.2804C>G, p.Ala935Gly (NM_001105078.4, NM_001205194.2, NM_001366469.2 and 1 more transcripts); c.2780C>G, p.Ala927Gly (NM_001163999.2, NM_001366470.2); c.2777C>G, p.Ala926Gly (NM_001164000.2, NM_001366471.2, NM_001366472.2); c.3341C>G, p.Ala1114Gly (NM_001366466.2); c.2807C>G, p.Ala936Gly (NM_001366467.2, NM_001366468.2); c.2369C>G, p.Ala790Gly (NM_001366473.2); c.1805C>G, p.Ala602Gly (NM_001366474.2); short protein forms A935G, A936G, A602G, A926G, A927G, A1000G, A1123G, A790G.
Identifiers: ClinVar variation 4624613 (VCV004624613.1).
Genomic context (GRCh38, chr3:169,090,033, plus strand): 5'-GTTTCTAAAGTCACCCAAGGTACTCACCTCACTGGGGATGTCTTGCAACTCATCTCCAGG[G>C]CACTGGTTTCTTCATAGTCATCCTCAGGGTTTCCTTCATGTAAATTACTTGTCACTGGTT-3'
Protein context (NP_004982.2, residues 1113-1133): NPEDDYEETS[Ala1123Gly]LEMSCKTSPV

ClinVar aggregate classification (germline): Uncertain significance (1 of 4 stars; one submission).

Conditions:
Inborn genetic diseases. Identifiers: MedGen C0950123, MeSH D030342.

gnomAD v4.1: 1 of 1,613,362 alleles (0.000062%); highest among the groups gnomAD compares: Non-Finnish European, 0.000085%; no homozygotes.

Submission:

Ambry Genetics
Classification: Uncertain significance for Inborn genetic diseases. Last evaluated: 2025-09-28. Review status: criteria provided, single submitter. Criteria: Ambry Variant Classification Scheme 2023. Collection method: clinical testing. Allele origin: germline.
Comment: The p.A1123G variant (also known as c.3368C>G), located in coding exon 15 of the MECOM gene, results from a C to G substitution at nucleotide position 3368. The alanine at codon 1123 is replaced by glycine, an amino acid with similar properties. This amino acid position is conserved. In addition, this alteration is predicted to be tolerated by in silico analysis. Based on the available evidence, the clinical significance of this variant remains unclear.